The following is an entry in ClinVar:

NM_018100.4(EFHC1):c.1886T>C (p.Ile629Thr)

Gene: EFHC1 (EF-hand domain containing 1; plus strand). Cytogenetic location: 6p12.2.
Variant type: single nucleotide variant.
Coding change: c.1886T>C on transcript NM_018100.4 (MANE Select); coding-DNA position 1886, T replaced by C.
Protein change: p.Ile629Thr; replaces isoleucine 629 with threonine.
Molecular consequence: missense variant. On other transcripts: non-coding transcript variant (1).
Genome position (GRCh38, 1-based): chr6:52,492,304, T>C. VCF-style: chr6-52492304-T-C. GRCh37 (hg19) VCF-style: chr6-52357102-T-C.
Other names: c.1829T>C, p.Ile610Thr (NM_001172420.2); short protein forms I629T, I610T.
Identifiers: ClinVar variation 952242 (VCV000952242.12), dbSNP rs199604518, ClinGen allele CA3856209.

ClinVar aggregate classification (germline): Uncertain significance. Review status: criteria provided, multiple submitters, no conflicts (2 of 4 stars). 2 submissions from 2 submitters: Uncertain significance (2). Last evaluated 2024-12-02.

Conditions:
Myoclonic epilepsy, juvenile, susceptibility to, 1. Also called: Myoclonic Epilepsy, Juvenile, 1; EJM1. Identifiers: MedGen C1850778, MONDO:0020752, OMIM 254770.
Absence seizure. Also called: Absence epilepsy. Identifiers: Orphanet 1941, MedGen C0014553.

Allele frequency attached by ClinVar (database versions not stated): gnomAD exomes 0.00002 and 0.00010; ExAC 0.00003; TOPMed 0.00003; gnomAD 0.00005; ESP Exome Variant Server 0.00015; 1000 Genomes Project 30x 0.00016; 1000 Genomes Project 0.00020.
gnomAD v4.1: 148 of 1,614,048 alleles (0.0092%); highest among the groups gnomAD compares: Non-Finnish European, 0.012%; no homozygotes.

Submissions (2):

Labcorp Genetics (formerly Invitae), Labcorp
Classification: Uncertain significance for Myoclonic epilepsy, juvenile, susceptibility to, 1; Absence seizure. Last evaluated: 2024-12-02. Review status: criteria provided, single submitter. Criteria: Invitae Variant Classification Sherloc (09022015). Collection method: clinical testing. Allele origin: germline.
Comment: This sequence change replaces isoleucine, which is neutral and non-polar, with threonine, which is neutral and polar, at codon 629 of the EFHC1 protein (p.Ile629Thr). This variant is present in population databases (rs199604518, gnomAD 0.006%). This variant has not been reported in the literature in individuals affected with EFHC1-related conditions. ClinVar contains an entry for this variant (Variation ID: 952242). An algorithm developed to predict the effect of missense changes on protein structure and function (PolyPhen-2) suggests that this variant is likely to be tolerated. In summary, the available evidence is currently insufficient to determine the role of this variant in disease. Therefore, it has been classified as a Variant of Uncertain Significance.

Ambry Genetics
Classification: Uncertain significance. Last evaluated: 2023-08-28. Review status: criteria provided, single submitter. Criteria: Ambry Variant Classification Scheme 2023. Collection method: clinical testing. Allele origin: germline.